The following is an entry in ClinVar:

ClinVar aggregate classification (germline): Likely pathogenic (1 of 4 stars; one submission).

Submission:

Labcorp Genetics (formerly Invitae), Labcorp
Classification: Likely pathogenic. Last evaluated: 2023-07-26. Review status: criteria provided, single submitter. Criteria: Invitae Variant Classification Sherloc (09022015). Collection method: clinical testing. Allele origin: germline.
Comment: ClinVar contains an entry for this variant (Variation ID: 1066238). In summary, the currently available evidence indicates that the variant is pathogenic, but additional data are needed to prove that conclusively. Therefore, this variant has been classified as Likely Pathogenic. Algorithms developed to predict the effect of sequence changes on RNA splicing suggest that this variant may disrupt the consensus splice site. This variant has not been reported in the literature in individuals affected with VPS13A-related conditions. This variant is not present in population databases (gnomAD no frequency). This sequence change affects an acceptor splice site in intron 67 of the VPS13A gene. It is expected to disrupt RNA splicing. Variants that disrupt the donor or acceptor splice site typically lead to a loss of protein function (PMID: 16199547), and loss-of-function variants in VPS13A are known to be pathogenic (PMID: 12404112, 21598378).

Literature cited by the submitters: PubMed 16199547; PubMed 12404112; PubMed 21598378.

NM_033305.3(VPS13A):c.9078-1G>C

Gene: VPS13A (vacuolar protein sorting 13 homolog A; plus strand). Cytogenetic location: 9q21.2.
Variant type: single nucleotide variant.
Coding change: c.9078-1G>C on transcript NM_033305.3 (MANE Select); the canonical splice acceptor site of the intron before coding-DNA position 9078, G replaced by C.
Molecular consequence: splice acceptor variant.
Genome position (GRCh38, 1-based): chr9:77,381,975, G>C. VCF-style: chr9-77381975-G-C. GRCh37 (hg19) VCF-style: chr9-79996891-G-C.
Other names: c.8961-1G>C (NM_001018037.2); c.9078-1G>C (NM_015186.4, NM_001018038.3).
Identifiers: ClinVar variation 1066238 (VCV001066238.7), dbSNP rs2131614057, ClinGen allele CA373870272.